The following is an entry in ClinVar:

ClinVar aggregate classification (germline): Uncertain significance (1 of 4 stars; one submission).

Submission:

Labcorp Genetics (formerly Invitae), Labcorp
Classification: Uncertain significance. Last evaluated: 2022-07-21. Review status: criteria provided, single submitter. Criteria: Invitae Variant Classification Sherloc (09022015). Collection method: clinical testing. Allele origin: germline.
Comment: This variant has not been reported in the literature in individuals affected with YME1L1-related conditions. This variant is not present in population databases (gnomAD no frequency). This sequence change replaces lysine, which is basic and polar, with arginine, which is basic and polar, at codon 708 of the YME1L1 protein (p.Lys708Arg). Algorithms developed to predict the effect of missense changes on protein structure and function are either unavailable or do not agree on the potential impact of this missense change (SIFT: "Tolerated"; PolyPhen-2: "Possibly Damaging"; Align-GVGD: "Class C0"). In summary, the available evidence is currently insufficient to determine the role of this variant in disease. Therefore, it has been classified as a Variant of Uncertain Significance.

NM_014263.4(YME1L1):c.1952A>G (p.Lys651Arg)

Gene: YME1L1 (YME1 like 1 ATPase; minus strand). Cytogenetic location: 10p12.1.
Variant type: single nucleotide variant.
Coding change: c.1952A>G on transcript NM_014263.4 (MANE Select); coding-DNA position 1952, A replaced by G.
Protein change: p.Lys651Arg; replaces lysine 651 with arginine.
Molecular consequence: missense variant.
Genome position (GRCh38, 1-based): chr10:27,114,576, T>C on the plus strand (A>G on the coding strand, the complement: YME1L1 is on the minus strand). VCF-style: chr10-27114576-T-C. GRCh37 (hg19) VCF-style: chr10-27403505-T-C.
Other names: c.2123A>G, p.Lys708Arg (NM_139312.3); c.1853A>G, p.Lys618Arg (NM_001253866.2); short protein forms K618R, K651R, K708R.
Identifiers: ClinVar variation 1910518 (VCV001910518.5), dbSNP rs894467464, ClinGen allele CA204416521.